The following is an entry in ClinVar:

NM_006445.4(PRPF8):c.578T>C (p.Leu193Pro)

Gene: PRPF8 (pre-mRNA processing factor 8; minus strand). Cytogenetic location: 17p13.3.
Variant type: single nucleotide variant.
Coding change: c.578T>C on transcript NM_006445.4 (MANE Select); coding-DNA position 578, T replaced by C.
Protein change: p.Leu193Pro; replaces leucine 193 with proline.
Molecular consequence: missense variant.
Genome position (GRCh38, 1-based): chr17:1,681,895, A>G on the plus strand (T>C on the coding strand, the complement: PRPF8 is on the minus strand). VCF-style: chr17-1681895-A-G. GRCh37 (hg19) VCF-style: chr17-1585189-A-G.
Other names: short protein forms L193P.
Identifiers: ClinVar variation 2811330 (VCV002811330.3), dbSNP rs2543782952, ClinGen allele CA397568701.

ClinVar aggregate classification (germline): Uncertain significance (1 of 4 stars; one submission).

Submission:

Labcorp Genetics (formerly Invitae), Labcorp
Classification: Uncertain significance. Last evaluated: 2022-11-01. Review status: criteria provided, single submitter. Criteria: Invitae Variant Classification Sherloc (09022015). Collection method: clinical testing. Allele origin: germline.
Comment: This sequence change replaces leucine, which is neutral and non-polar, with proline, which is neutral and non-polar, at codon 193 of the PRPF8 protein (p.Leu193Pro). This variant is not present in population databases (gnomAD no frequency). This variant has not been reported in the literature in individuals affected with PRPF8-related conditions. Advanced modeling of protein sequence and biophysical properties (such as structural, functional, and spatial information, amino acid conservation, physicochemical variation, residue mobility, and thermodynamic stability) performed at Invitae indicates that this missense variant is not expected to disrupt PRPF8 protein function. In summary, the available evidence is currently insufficient to determine the role of this variant in disease. Therefore, it has been classified as a Variant of Uncertain Significance.